The following is an entry in ClinVar:

NM_080669.6(SLC46A1):c.3G>A (p.Met1Ile)

Genes: SLC46A1 (solute carrier family 46 member 1; minus strand), LOC130060550 (ATAC-STARR-seq lymphoblastoid silent region 8340; plus strand). Cytogenetic location: 17q11.2.
Variant type: single nucleotide variant.
Coding change: c.3G>A on transcript NM_080669.6 (MANE Select); coding-DNA position 3, G replaced by A.
Protein change: p.Met1Ile; changes the start codon (methionine 1).
Molecular consequence: missense variant, initiator codon variant.
Genome position (GRCh38, 1-based): chr17:28,406,112, C>T on the plus strand (G>A on the coding strand, the complement: SLC46A1 is on the minus strand). VCF-style: chr17-28406112-C-T. GRCh37 (hg19) VCF-style: chr17-26733130-C-T.
Other names: c.3G>A, p.Met1Ile (NM_001242366.3); short protein forms M1I.
Identifiers: ClinVar variation 3233965 (VCV003233965.4), dbSNP rs2508308450, ClinGen allele CA398355123.

ClinVar aggregate classification (germline): Likely pathogenic (1 of 4 stars; one submission).

Conditions:
Congenital defect of folate absorption. Also called: Hereditary Folate Malabsorption. Identifiers: Orphanet 90045, MedGen C0342705, MONDO:0009238, OMIM 229050.

Submission:

Women's Health and Genetics/Laboratory Corporation of America, LabCorp
Classification: Likely pathogenic for Congenital defect of folate absorption. Last evaluated: 2024-03-14. Review status: criteria provided, single submitter. Criteria: LabCorp Variant Classification Summary - May 2015. Collection method: clinical testing. Allele origin: germline.
Comment: Variant summary: SLC46A1 c.3G>A (p.Met1Ile) alters the initiation codon and is predicted to result either in absence of the protein or truncation of the encoded protein due to translation initiation at a downstream codon, with the next in-frame methionine at codon 75. Two of two in-silico tools predict a benign effect of the variant on protein function. The frequency data for this variant in gnomAD is considered unreliable, as metrics indicate poor data quality at this position. To our knowledge, no occurrence of c.3G>A in individuals affected with Congenital Defect Of Folate Absorption has been reported. However, another publications reports an alternate variant affecting the initation codon (c.1A>T, p.M1L) detected in a compound heterozygous individual affected with hereditary folate malabsorption (e.g. Wang_2015). One publication reports experimental evidence evaluating an impact on protein function showing that in vitro expression of the variant results in severely reduced actuivity (Zhao_2011). The following publications have been ascertained in the context of this evaluation (PMID: 21602279, 24534056). No submitters have cited clinical-significance assessments for this variant to ClinVar. Based on the evidence outlined above, the variant was classified as likely pathogenic.

Literature cited by the submitters: PubMed 24534056; PubMed 21602279.